The following is an entry in ClinVar:

NM_173500.4(TTBK2):c.*490T>C

Gene: TTBK2 (tau tubulin kinase 2; minus strand). Cytogenetic location: 15q15.2.
Variant type: single nucleotide variant.
Coding change: c.*490T>C on transcript NM_173500.4 (MANE Select); 490 bases downstream of the stop codon, T replaced by C.
Molecular consequence: 3 prime UTR variant.
Genome position (GRCh38, 1-based): chr15:42,745,305, A>G on the plus strand (T>C on the coding strand, the complement: TTBK2 is on the minus strand). VCF-style: chr15-42745305-A-G. GRCh37 (hg19) VCF-style: chr15-43037503-A-G.
Identifiers: ClinVar variation 884241 (VCV000884241.4), dbSNP rs142589086, ClinGen allele CA269921278.

ClinVar aggregate classification (germline): Benign (1 of 4 stars; one submission).

Conditions:
Spinocerebellar ataxia type 11 (SCA11). Identifiers: Orphanet 98767, MedGen C1858351, MONDO:0011464, OMIM 604432.

Allele frequency attached by ClinVar (database versions not stated): gnomAD 0.00018 and 0.00029; TOPMed 0.00041; gnomAD exomes 0.00073; 1000 Genomes Project 30x 0.00172; 1000 Genomes Project 0.00180.
gnomAD v4.1: 66 of 182,628 alleles (0.036%); highest among the groups gnomAD compares: East Asian, 0.84%; no homozygotes.

Submission:

Illumina Laboratory Services, Illumina
Classification: Benign for Spinocerebellar ataxia type 11. Last evaluated: 2018-01-12. Review status: criteria provided, single submitter. Criteria: ICSL Variant Classification Criteria 13 December 2019. Collection method: clinical testing. Allele origin: germline.
Comment: This variant was observed in the ICSL laboratory as part of a predisposition screen in an ostensibly healthy population. It had not been previously curated by ICSL or reported in the Human Gene Mutation Database (HGMD: prior to June 1st, 2018), and was therefore a candidate for classification through an automated scoring system. Utilizing variant allele frequency, disease prevalence and penetrance estimates, and inheritance mode, an automated score was calculated to assess if this variant is too frequent to cause the disease. Based on the score and internal cut-off values, a variant classified as benign is not then subjected to further curation. The score for this variant resulted in a classification of benign for this disease.